The following is an entry in ClinVar:

NM_003072.5(SMARCA4):c.4781A>G (p.Lys1594Arg)

Gene: SMARCA4 (SWI/SNF related BAF chromatin remodeling complex subunit ATPase 4; plus strand). Cytogenetic location: 19p13.2.
Variant type: single nucleotide variant.
Coding change: c.4781A>G on transcript NM_003072.5 (MANE Select); coding-DNA position 4781, A replaced by G.
Protein change: p.Lys1594Arg; replaces lysine 1594 with arginine.
Molecular consequence: missense variant. On other transcripts: non-coding transcript variant (1).
Genome position (GRCh38, 1-based): chr19:11,060,057, A>G. VCF-style: chr19-11060057-A-G. GRCh37 (hg19) VCF-style: chr19-11170733-A-G.
Other names: c.4781A>G, p.Lys1594Arg (NM_001128844.3); c.4691A>G, p.Lys1564Arg (NM_001128845.2); c.4688A>G, p.Lys1563Arg (NM_001128846.2); c.4682A>G, p.Lys1561Arg (NM_001128847.4, NM_001374457.1); c.4679A>G, p.Lys1560Arg (NM_001128848.2); c.4877A>G, p.Lys1626Arg (NM_001128849.3, NM_001387283.1); short protein forms K1626R, K1561R, K1563R, K1594R, K1560R, K1564R.
Identifiers: ClinVar variation 537809 (VCV000537809.10), dbSNP rs1555796197, ClinGen allele CA404080266.

ClinVar aggregate classification (germline): Uncertain significance (1 of 4 stars; one submission).

Conditions:
Rhabdoid tumor predisposition syndrome 2 (RTPS2). Identifiers: Orphanet 231108, Orphanet 69077, MedGen C2750074, MONDO:0013224, OMIM 613325.
Intellectual disability, autosomal dominant 16 (CSS4). Also called: COFFIN-SIRIS SYNDROME 4. Identifiers: Orphanet 1465, MedGen C3553249, MONDO:0013821, OMIM 614609.

Submission:

Labcorp Genetics (formerly Invitae), Labcorp
Classification: Uncertain significance for Rhabdoid tumor predisposition syndrome 2. Last evaluated: 2021-05-28. Review status: criteria provided, single submitter. Criteria: Invitae Variant Classification Sherloc (09022015). Collection method: clinical testing. Allele origin: germline.
Comment: This sequence change replaces lysine with arginine at codon 1626 of the SMARCA4 protein (p.Lys1626Arg). The lysine residue is highly conserved and there is a small physicochemical difference between lysine and arginine. This variant is not present in population databases (ExAC no frequency). This variant has not been reported in the literature in individuals with SMARCA4-related conditions. ClinVar contains an entry for this variant (Variation ID: 537809). Algorithms developed to predict the effect of missense changes on protein structure and function (SIFT, PolyPhen-2, Align-GVGD) all suggest that this variant is likely to be disruptive, but these predictions have not been confirmed by published functional studies and their clinical significance is uncertain. Algorithms developed to predict the effect of sequence changes on RNA splicing suggest that this variant may create or strengthen a splice site, but this prediction has not been confirmed by published transcriptional studies. In summary, the available evidence is currently insufficient to determine the role of this variant in disease. Therefore, it has been classified as a Variant of Uncertain Significance.